The following is an entry in ClinVar:

NM_001042681.2(RERE):c.3659C>T (p.Pro1220Leu)

Gene: RERE (arginine-glutamic acid dipeptide repeats; minus strand). Cytogenetic location: 1p36.23.
Variant type: single nucleotide variant.
Coding change: c.3659C>T on transcript NM_001042681.2 (MANE Select); coding-DNA position 3659, C replaced by T.
Protein change: p.Pro1220Leu; replaces proline 1220 with leucine.
Molecular consequence: missense variant.
Genome position (GRCh38, 1-based): chr1:8,358,876, G>A on the plus strand (C>T on the coding strand, the complement: RERE is on the minus strand). VCF-style: chr1-8358876-G-A. GRCh37 (hg19) VCF-style: chr1-8418936-G-A.
Other names: c.1997C>T, p.Pro666Leu (NM_001042682.2); c.3659C>T, p.Pro1220Leu (NM_012102.4); short protein forms P1220L, P666L.
Identifiers: ClinVar variation 3364891 (VCV003364891.1).
Genomic context (GRCh38, chr1:8,358,876, plus strand): 5'-GCAATGGTGGTTGGTGGTGGCTCGAAGGATGGCCGCATGTGGCCAGGACCACTGAGCTGT[G>A]GGTCACTGAGGCGACCTTCATGCGCTGAGCTGGACGCCTTCTGCAGAAGGAAAAGAAAGC-3'
Protein context (NP_001036146.1, residues 1210-1230): SSAHEGRLSD[Pro1220Leu]QLSGPGHMRP

ClinVar aggregate classification (germline): Uncertain significance (1 of 4 stars; one submission).

Submission:

GeneDx
Classification: Uncertain significance. Last evaluated: 2023-11-25. Review status: criteria provided, single submitter. Criteria: GeneDx Variant Classification Process June 2021. Collection method: clinical testing. Allele origin: germline. Affected: yes.
Comment: Not observed at significant frequency in large population cohorts (gnomAD); In silico analysis supports that this missense variant has a deleterious effect on protein structure/function; Has not been previously published as pathogenic or benign to our knowledge